The following is an entry in ClinVar:

ClinVar aggregate classification (germline): Uncertain significance (1 of 4 stars; one submission).

Submission:

Ambry Genetics
Classification: Uncertain significance. Last evaluated: 2026-05-24. Review status: criteria provided, single submitter. Criteria: Ambry Variant Classification Scheme 2023. Collection method: clinical testing. Allele origin: germline.
Comment: The p.G149E variant (also known as c.446G>A), located in coding exon 1 of the CDK12 gene, results from a G to A substitution at nucleotide position 446. The glycine at codon 149 is replaced by glutamic acid, an amino acid with similar properties. This amino acid position is conserved. In addition, the in silico prediction for this alteration is inconclusive. Based on the available evidence, the clinical significance of this variant remains unclear.

NM_016507.4(CDK12):c.446G>A (p.Gly149Glu)

Genes: CDK12 (cyclin dependent kinase 12; plus strand), LOC126862553 (CDK7 strongly-dependent group 2 enhancer GRCh37_chr17:37618166-37619365; plus strand). Cytogenetic location: 17q12.
Variant type: single nucleotide variant.
Coding change: c.446G>A on transcript NM_016507.4 (MANE Select); coding-DNA position 446, G replaced by A.
Protein change: p.Gly149Glu; replaces glycine 149 with glutamic acid.
Molecular consequence: missense variant.
Genome position (GRCh38, 1-based): chr17:39,462,517, G>A. VCF-style: chr17-39462517-G-A. GRCh37 (hg19) VCF-style: chr17-37618770-G-A.
Other names: c.446G>A, p.Gly149Glu (NM_015083.4); short protein forms G149E.
Identifiers: ClinVar variation 3489421 (VCV003489421.2).